The following is an entry in ClinVar:

NM_004519.4(KCNQ3):c.109G>T (p.Gly37Cys)

Gene: KCNQ3 (potassium voltage-gated channel subfamily Q member 3; minus strand). Cytogenetic location: 8q24.22.
Variant type: single nucleotide variant.
Coding change: c.109G>T on transcript NM_004519.4 (MANE Select); coding-DNA position 109, G replaced by T.
Protein change: p.Gly37Cys; replaces glycine 37 with cysteine.
Molecular consequence: missense variant.
Genome position (GRCh38, 1-based): chr8:132,480,424, C>A on the plus strand (G>T on the coding strand, the complement: KCNQ3 is on the minus strand). VCF-style: chr8-132480424-C-A. GRCh37 (hg19) VCF-style: chr8-133492671-C-A.
Other names: short protein forms G37C.
Identifiers: ClinVar variation 3287736 (VCV003287736.3).
Genomic context (GRCh38, chr8:132,480,424, plus strand): 5'-GCGCCAAGGTGACTTGCTCCACGTCGCCGGGCGCCAGCCCCACTTTCCGCTCCTCGTCGC[C>A]GGCCGCCGCCGCGTCCCCTCCGGCTGGGTTAGCCGCCCCGCCGCCTCCGCCGCCCCCGTC-3'
Protein context (NP_004510.1, residues 27-47): NPAGGDAAAA[Gly37Cys]DEERKVGLAP

ClinVar aggregate classification (germline): Uncertain significance. Review status: criteria provided, multiple submitters, no conflicts (2 of 4 stars). 2 submissions from 2 submitters: Uncertain significance (2). Last evaluated 2026-01-29.

Conditions:
Benign neonatal seizures. Also called: Benign familial neonatal seizures; Benign neonatal familial convulsions; Convulsions benign familial neonatal dominant form; Autosomal dominant form of benign neonatal seizures; Benign familial neonatal epilepsy. Identifiers: Orphanet 1949, MedGen C0220669, MONDO:0016027.
Inborn genetic diseases. Identifiers: MedGen C0950123, MeSH D030342.

gnomAD v4.1: 3 of 1,466,670 alleles (0.0002%); highest among the groups gnomAD compares: South Asian, 0.0014%; no homozygotes.

Submissions (2):

Labcorp Genetics (formerly Invitae), Labcorp
Classification: Uncertain significance for Benign neonatal seizures. Last evaluated: 2026-01-29. Review status: criteria provided, single submitter. Criteria: Invitae Variant Classification Sherloc (09022015). Collection method: clinical testing. Allele origin: germline.
Comment: This sequence change replaces glycine, which is neutral and non-polar, with cysteine, which is neutral and slightly polar, at codon 37 of the KCNQ3 protein (p.Gly37Cys). The frequency data for this variant in the population databases is considered unreliable, as metrics indicate poor data quality at this position in the gnomAD database. This variant has not been reported in the literature in individuals affected with KCNQ3-related conditions. ClinVar contains an entry for this variant (Variation ID: 3287736). Invitae Evidence Modeling of protein sequence and biophysical properties (such as structural, functional, and spatial information, amino acid conservation, physicochemical variation, residue mobility, and thermodynamic stability) indicates that this missense variant is not expected to disrupt KCNQ3 protein function with a negative predictive value of 95%. In summary, the available evidence is currently insufficient to determine the role of this variant in disease. Therefore, it has been classified as a Variant of Uncertain Significance.

Ambry Genetics
Classification: Uncertain significance for Inborn genetic diseases. Last evaluated: 2024-05-16. Review status: criteria provided, single submitter. Criteria: Ambry Variant Classification Scheme 2023. Collection method: clinical testing. Allele origin: germline.